The following is an entry in ClinVar:

NM_006593.4(TBR1):c.1015G>A (p.Val339Met)

Gene: TBR1 (T-box brain transcription factor 1; plus strand). Cytogenetic location: 2q24.2.
Variant type: single nucleotide variant.
Coding change: c.1015G>A on transcript NM_006593.4 (MANE Select); coding-DNA position 1015, G replaced by A.
Protein change: p.Val339Met; replaces valine 339 with methionine.
Molecular consequence: missense variant.
Genome position (GRCh38, 1-based): chr2:161,418,937, G>A. VCF-style: chr2-161418937-G-A. GRCh37 (hg19) VCF-style: chr2-162275448-G-A.
Other names: short protein forms V339M.
Identifiers: ClinVar variation 4076243 (VCV004076243.1).

ClinVar aggregate classification (germline): Uncertain significance (1 of 4 stars; one submission).

Conditions:
Intellectual developmental disorder with autism and speech delay. Also called: Autism 5; AUTISM-RELATED SPEECH DELAY; PHRASE SPEECH DELAY, AUTISM-RELATED; AUTS5; Autism, susceptibility to, 5. Identifiers: MedGen C1853755, MONDO:0011627, OMIM 606053.

gnomAD v4.1: 1 of 1,614,252 alleles (0.000062%); no homozygotes.

Submission:

Laboratorio de Genetica e Diagnostico Molecular, Hospital Israelita Albert Einstein
Classification: Uncertain significance for Intellectual developmental disorder with autism and speech delay. Last evaluated: 2023-02-26. Review status: criteria provided, single submitter. Criteria: ACMG Guidelines, 2015. Collection method: clinical testing. Allele origin: germline. Affected: yes.
Comment: ACMG classification criteria: PM2 moderate, PP3 supporting